The following is an entry in ClinVar:

ClinVar aggregate classification (germline): Uncertain significance. Review status: criteria provided, multiple submitters, no conflicts (2 of 4 stars). 2 submissions from 2 submitters: Uncertain significance (2). Last evaluated 2025-05-16.

Conditions:
Inborn genetic diseases. Identifiers: MedGen C0950123, MeSH D030342.

Allele frequency attached by ClinVar (database versions not stated): TOPMed below 0.00001; ExAC 0.00001; gnomAD 0.00001; gnomAD exomes 0.00001 and 0.00002.
gnomAD v4.1: 21 of 1,614,008 alleles (0.0013%); highest among the groups gnomAD compares: Non-Finnish European, 0.0018%; no homozygotes.

Submissions (2):

Ambry Genetics
Classification: Uncertain significance for Inborn genetic diseases. Last evaluated: 2025-05-16. Review status: criteria provided, single submitter. Criteria: Ambry Variant Classification Scheme 2023. Collection method: clinical testing. Allele origin: germline.

Labcorp Genetics (formerly Invitae), Labcorp
Classification: Uncertain significance. Last evaluated: 2021-05-13. Review status: criteria provided, single submitter. Criteria: Invitae Variant Classification Sherloc (09022015). Collection method: clinical testing. Allele origin: germline.
Comment: This sequence change replaces glycine with arginine at codon 367 of the TNFAIP3 protein (p.Gly367Arg). The glycine residue is weakly conserved and there is a moderate physicochemical difference between glycine and arginine. In summary, the available evidence is currently insufficient to determine the role of this variant in disease. Therefore, it has been classified as a Variant of Uncertain Significance. Algorithms developed to predict the effect of missense changes on protein structure and function (SIFT, PolyPhen-2, Align-GVGD) all suggest that this variant is likely to be tolerated, but these predictions have not been confirmed by published functional studies and their clinical significance is uncertain. This variant has not been reported in the literature in individuals with TNFAIP3-related conditions. This variant is present in population databases (rs764662789, ExAC 0.001%).

NM_001270508.2(TNFAIP3):c.1099G>A (p.Gly367Arg)

Gene: TNFAIP3 (TNF alpha induced protein 3; plus strand). Cytogenetic location: 6q23.3.
Variant type: single nucleotide variant.
Coding change: c.1099G>A on transcript NM_001270508.2 (MANE Select); coding-DNA position 1099, G replaced by A.
Protein change: p.Gly367Arg; replaces glycine 367 with arginine.
Molecular consequence: missense variant.
Genome position (GRCh38, 1-based): chr6:137,878,544, G>A. VCF-style: chr6-137878544-G-A. GRCh37 (hg19) VCF-style: chr6-138199681-G-A.
Other names: c.1099G>A, p.Gly367Arg (NM_001270507.2, NM_006290.4); c.1099G>A (NM_006290.2); short protein forms G367R.
Identifiers: ClinVar variation 1498122 (VCV001498122.9), dbSNP rs764662789, ClinGen allele CA4019573.
Genomic context (GRCh38, chr6:137,878,544, plus strand): 5'-GAACTTGTTCAGCATGAGTACAAGAAATGGCAGGAAAACAGCGAGCAGGGGAGGAGAGAG[G>A]GGCACGCCCAGAATCCCATGGAACCTTCCGTGCCCCAGCTTTCTCTCATGGATGTAAAAT-3'
Protein context (NP_001257437.1, residues 357-377): QENSEQGRRE[Gly367Arg]HAQNPMEPSV